The following is an entry in ClinVar:

NM_001243177.4(ALDOA):c.951del (p.Ala318fs)

Genes: ALDOA (aldolase, fructose-bisphosphate A; plus strand), LOC112694756 (uncharaterized LOC112694756; plus strand). Cytogenetic location: 16p11.2.
Variant type: Deletion.
Coding change: c.951del on transcript NM_001243177.4 (MANE Select); coding-DNA position 951, one base deleted (C; older notation c.951delC).
Protein change: p.Ala318fs; shifts the reading frame from alanine 318.
Molecular consequence: frameshift variant. On other transcripts: 3 prime UTR variant (3).
Genome position (GRCh38, 1-based): chr16:30,069,663, C deleted; the last of 6 consecutive C bases (chr16:30,069,658-30,069,663); deleting any one gives the same sequence. VCF-style (leftmost placement, unchanged base first): chr16-30069657-GC-G. GRCh37 (hg19) VCF-style: chr16-30080978-GC-G.
Other names: c.*1298del (NM_001365304.2, NM_001365305.2, NM_001365307.2); c.789del, p.Ala264fs (NM_001127617.2, NM_184041.5, NM_184043.2); short protein forms A264fs, A318fs.
Identifiers: ClinVar variation 2077160 (VCV002077160.4), dbSNP rs773601711, ClinGen allele CA2580091476.

ClinVar aggregate classification (germline): Pathogenic (1 of 4 stars; one submission).

Conditions:
HNSHA due to aldolase A deficiency (GSD12). Also called: GLYCOGEN STORAGE DISEASE XII; GSD XII; RED CELL ALDOLASE DEFICIENCY; Glycogen storage disease due to aldolase A deficiency. Identifiers: Orphanet 57, MedGen C0272066, MONDO:0012747, OMIM 611881.

Submission:

Labcorp Genetics (formerly Invitae), Labcorp
Classification: Pathogenic for HNSHA due to aldolase A deficiency. Last evaluated: 2024-02-23. Review status: criteria provided, single submitter. Criteria: Invitae Variant Classification Sherloc (09022015). Collection method: clinical testing. Allele origin: germline.
Comment: This sequence change creates a premature translational stop signal (p.Ala264Leufs*30) in the ALDOA gene. It is expected to result in an absent or disrupted protein product. Loss-of-function variants in ALDOA are known to be pathogenic (PMID: 2825199, 14615364). This variant is not present in population databases (gnomAD no frequency). This variant has not been reported in the literature in individuals affected with ALDOA-related conditions. ClinVar contains an entry for this variant (Variation ID: 2077160). For these reasons, this variant has been classified as Pathogenic.

Literature cited by the submitters: PubMed 2825199; PubMed 14615364.